The following is an entry in ClinVar:

NM_012062.5(DNM1L):c.1995-319A>T

Gene: DNM1L (dynamin 1 like; plus strand). Cytogenetic location: 12p11.21.
Variant type: single nucleotide variant.
Coding change: c.1995-319A>T on transcript NM_012062.5 (MANE Select); 319 bases into the intron before coding-DNA position 1995, A replaced by T.
Molecular consequence: intron variant.
Genome position (GRCh38, 1-based): chr12:32,742,270, A>T. VCF-style: chr12-32742270-A-T. GRCh37 (hg19) VCF-style: chr12-32895204-A-T.
Other names: c.2034-319A>T (NM_001278464.2); c.2001-319A>T (NM_001278465.2); c.1923-319A>T (NM_001330380.2); c.1386-319A>T (NM_001278466.2); c.1962-319A>T (NM_001278463.2); c.1917-319A>T (NM_012063.4); c.1884-319A>T (NM_005690.5).
Identifiers: ClinVar variation 680946 (VCV000680946.1), dbSNP rs115157956, ClinGen allele CA235207826.

ClinVar aggregate classification (germline): Likely benign (1 of 4 stars; one submission).

Allele frequency attached by ClinVar (database versions not stated): 1000 Genomes Project 0.00919; gnomAD 0.01012 and 0.01081; 1000 Genomes Project 30x 0.01046; TOPMed 0.01128.
gnomAD v4.1: 1,532 of 152,134 alleles (1%); highest among the groups gnomAD compares: African/African-American, 3.4%; 32 homozygotes.

Submission:

GeneDx
Classification: Likely benign. Last evaluated: 2018-06-14. Review status: criteria provided, single submitter. Criteria: GeneDx Variant Classification (06012015). Collection method: clinical testing. Allele origin: germline. Affected: yes.
Comment: This variant is considered likely benign or benign based on one or more of the following criteria: it is a conservative change, it occurs at a poorly conserved position in the protein, it is predicted to be benign by multiple in silico algorithms, and/or has population frequency not consistent with disease.